The following is an entry in ClinVar:

ClinVar aggregate classification (germline): Benign (1 of 4 stars; one submission).

Conditions:
Myostatin-related muscle hypertrophy (MSLHP). Also called: MUSCLE HYPERTROPHY. Identifiers: Orphanet 275534, MedGen C2931112, MONDO:0013598, OMIM 614160.

Allele frequency attached by ClinVar (database versions not stated): 1000 Genomes Project 0.00180; 1000 Genomes Project 30x 0.00219; gnomAD 0.00268; TOPMed 0.00276; gnomAD exomes 0.00463.
gnomAD v4.1: 409 of 152,494 alleles (0.27%); highest among the groups gnomAD compares: Non-Finnish European, 0.46%; 2 homozygotes.

Submission:

Illumina Laboratory Services, Illumina
Classification: Benign for Myostatin-related muscle hypertrophy. Last evaluated: 2018-01-13. Review status: criteria provided, single submitter. Criteria: ICSL Variant Classification Criteria 13 December 2019. Collection method: clinical testing. Allele origin: germline.
Comment: This variant was observed in the ICSL laboratory as part of a predisposition screen in an ostensibly healthy population. It had not been previously curated by ICSL or reported in the Human Gene Mutation Database (HGMD: prior to June 1st, 2018), and was therefore a candidate for classification through an automated scoring system. Utilizing variant allele frequency, disease prevalence and penetrance estimates, and inheritance mode, an automated score was calculated to assess if this variant is too frequent to cause the disease. Based on the score and internal cut-off values, a variant classified as benign is not then subjected to further curation. The score for this variant resulted in a classification of benign for this disease.

NM_005259.3(MSTN):c.*1362A>G

Genes: C2orf88 (chromosome 2 open reading frame 88; plus strand), MSTN (myostatin; minus strand). Cytogenetic location: 2q32.2.
Variant type: single nucleotide variant.
Coding change: c.*1362A>G on transcript NM_005259.3 (MANE Select); 1362 bases downstream of the stop codon, A replaced by G.
Molecular consequence: 3 prime UTR variant.
Genome position (GRCh38, 1-based): chr2:190,055,896, T>C on the plus strand (A>G on the coding strand, the complement: MSTN is on the minus strand). VCF-style: chr2-190055896-T-C. GRCh37 (hg19) VCF-style: chr2-190920622-T-C.
Other names: c.*1362A>G (LRG_200t1).
Identifiers: ClinVar variation 333217 (VCV000333217.5), dbSNP rs377503267, ClinGen allele CA10613345.